The following is an entry in ClinVar:

ClinVar aggregate classification (germline): Pathogenic. Review status: criteria provided, multiple submitters, no conflicts (2 of 4 stars). 5 submissions from 5 submitters: Pathogenic (2). 3 of the submissions do not count toward it. Last evaluated 2023-10-10.

Conditions:
Episodic ataxia type 2 (EA2). Also called: CEREBELLAR ATAXIA, PAROXYSMAL, ACETAZOLAMIDE-RESPONSIVE; CEREBELLOPATHY, HEREDITARY PAROXYSMAL; EPISODIC ATAXIA, NYSTAGMUS-ASSOCIATED; ACETAZOLAMIDE-RESPONSIVE HEREDITARY PAROXYSMAL CEREBELLAR ATAXIA; ATAXIA, EPISODIC, WITH NYSTAGMUS; ATAXIA, FAMILIAL PAROXYSMAL. Identifiers: Orphanet 97, MedGen C1720416, MONDO:0007163, OMIM 108500.
Developmental and epileptic encephalopathy, 42 (DEE42A). Also called: DEVELOPMENTAL AND EPILEPTIC ENCEPHALOPATHY 42A; EPILEPTIC ENCEPHALOPATHY, EARLY INFANTILE, 42A; Epileptic encephalopathy, early infantile, 42. Identifiers: MedGen C4310716, MONDO:0014917, OMIM 617106.
Familial hemiplegic migraine. Identifiers: MedGen C0338484, MONDO:0000700.
Migraine, familial hemiplegic, 1. Also called: MIGRAINE, FAMILIAL HEMIPLEGIC 1, WITH PROGRESSIVE CEREBELLAR ATAXIA. Identifiers: Orphanet 569, MedGen C1832884, MONDO:0020756, OMIM 141500, MONDO:0007714.

Submissions (5):

Mayo Clinic Laboratories, Mayo Clinic
Classification: Pathogenic. Last evaluated: 2023-10-10. Review status: criteria provided, single submitter. Criteria: ACMG Guidelines, 2015. Collection method: clinical testing. Allele origin: germline. Observed: 1 variant allele.
Comment: PP1_strong, PP2, PP3, PM2_moderate, PS3, PS4_moderate

Labcorp Genetics (formerly Invitae), Labcorp
Classification: Pathogenic for Developmental and epileptic encephalopathy, 42; Episodic ataxia type 2. Last evaluated: 2020-06-06. Review status: criteria provided, single submitter. Criteria: Invitae Variant Classification Sherloc (09022015). Collection method: clinical testing. Allele origin: germline.
Comment: This sequence change replaces isoleucine with leucine at codon 1810 of the CACNA1A protein (p.Ile1810Leu). The isoleucine residue is highly conserved and there is a small physicochemical difference between isoleucine and leucine. This variant is not present in population databases (ExAC no frequency). This variant has been observed in individual(s) with familial hemiplegic migraine (PMID: 8898206). It has also been observed to segregate with disease in related individuals. ClinVar contains an entry for this variant (Variation ID: 8490). This variant has been reported to affect CACNA1A protein function (PMID: 10024348, 9488686, 12235360). For these reasons, this variant has been classified as Pathogenic.

OMIM
Classification: Pathogenic for MIGRAINE, FAMILIAL HEMIPLEGIC, 1. Last evaluated: 1996-11-01. Review status: no assertion criteria provided. Collection method: literature only. Allele origin: germline. Not counted in ClinVar's aggregate classification.

GeneReviews
No classification provided. Condition: Familial hemiplegic migraine. Review status: no classification provided. Collection method: literature only. Allele origin: germline. Not counted in ClinVar's aggregate classification.
Comment: Hemiplegic attacks plus ataxia

UniProtKB/Swiss-Prot
No classification provided. Condition: Familial hemiplegic migraine type 1. Review status: no classification provided. Collection method: not provided. Allele origin: not provided. Not counted in ClinVar's aggregate classification.
Comment: Variant designated as I1811L in original source PubMed 97053792

Literature cited by the submitters: PubMed 10024348 (cited by Mayo Clinic Laboratories, Mayo Clinic and Labcorp Genetics (formerly Invitae), Labcorp); PubMed 8898206 (cited by 3 submitters); PubMed 9488686 (cited by Mayo Clinic Laboratories, Mayo Clinic and Labcorp Genetics (formerly Invitae), Labcorp); PubMed 9566402 (cited by Mayo Clinic Laboratories, Mayo Clinic); PubMed 12235360 (cited by Labcorp Genetics (formerly Invitae), Labcorp); PubMed 8734765 (cited by OMIM); PubMed 9915947 (cited by GeneReviews); PubMed 20301562 (cited by GeneReviews).

NM_001127222.2(CACNA1A):c.5425A>C (p.Ile1809Leu)

Gene: CACNA1A (calcium voltage-gated channel subunit alpha1 A; minus strand). Cytogenetic location: 19p13.13.
Variant type: single nucleotide variant.
Coding change: c.5425A>C on transcript NM_001127222.2 (MANE Select); coding-DNA position 5425, A replaced by C.
Protein change: p.Ile1809Leu; replaces isoleucine 1809 with leucine.
Molecular consequence: missense variant.
Genome position (GRCh38, 1-based): chr19:13,230,185, T>G on the plus strand (A>C on the coding strand, the complement: CACNA1A is on the minus strand). VCF-style: chr19-13230185-T-G. GRCh37 (hg19) VCF-style: chr19-13340999-T-G.
Other names: I1811L; c.5443A>C, p.Ile1815Leu (NM_000068.4, NM_023035.3); c.5428A>C, p.Ile1810Leu (NM_001127221.2); c.5434A>C, p.Ile1812Leu (NM_001174080.2); short protein forms I1809L, I1810L, I1812L, I1815L.
Identifiers: ClinVar variation 8490 (VCV000008490.13), dbSNP rs121908214, ClinGen allele CA254421.